The following is an entry in ClinVar:

ClinVar aggregate classification (germline): Likely benign. Review status: criteria provided, single submitter (1 of 4 stars). 2 submissions from 2 submitters: Likely benign (1). 1 of the submissions does not count toward it. Last evaluated 2022-07-27.

Conditions:
FAT1-related disorder. Also called: FAT1-related condition.

Allele frequency attached by ClinVar (database versions not stated): gnomAD exomes 0.00002; ExAC 0.00004; TOPMed 0.00006; gnomAD 0.00007; ESP Exome Variant Server 0.00017.
gnomAD v4.1: 46 of 1,613,800 alleles (0.0029%); highest among the groups gnomAD compares: East Asian, 0.038%; no homozygotes.

Submissions (2):

Labcorp Genetics (formerly Invitae), Labcorp
Classification: Likely benign. Last evaluated: 2022-07-27. Review status: criteria provided, single submitter. Criteria: Invitae Variant Classification Sherloc (09022015). Collection method: clinical testing. Allele origin: germline.

PreventionGenetics, part of Exact Sciences
Classification: Likely benign for FAT1-related condition. Last evaluated: 2019-12-16. Review status: no assertion criteria provided. Collection method: clinical testing. Allele origin: germline. Not counted in ClinVar's aggregate classification.
Comment: This variant is classified as likely benign based on ACMG/AMP sequence variant interpretation guidelines (Richards et al. 2015 PMID: 25741868, with internal and published modifications).

NM_005245.4(FAT1):c.12774G>A (p.Pro4258=)

Gene: FAT1 (FAT atypical cadherin 1; minus strand). Cytogenetic location: 4q35.2.
Variant type: single nucleotide variant.
Coding change: c.12774G>A on transcript NM_005245.4 (MANE Select); coding-DNA position 12774, G replaced by A.
Protein change: p.Pro4258=; no amino-acid change (proline 4258 retained).
Molecular consequence: synonymous variant.
Genome position (GRCh38, 1-based): chr4:186,596,766, C>T on the plus strand (G>A on the coding strand, the complement: FAT1 is on the minus strand). VCF-style: chr4-186596766-C-T. GRCh37 (hg19) VCF-style: chr4-187517920-C-T.
Other names: c.12774G>A (NM_005245.3).
Identifiers: ClinVar variation 2176461 (VCV002176461.6), dbSNP rs370465267, ClinGen allele CA3164743.